The following is an entry in ClinVar:

ClinVar aggregate classification (germline): Uncertain significance (1 of 4 stars; one submission).

Conditions:
Tenorio syndrome (TNORS). Also called: OVERGROWTH, MACROCEPHALY, AND INTELLECTUAL DISABILITY SYNDROME. Identifiers: MedGen C4015710, MONDO:0014553, OMIM 616260.

gnomAD v4.1: 1 of 1,612,886 alleles (0.000062%); highest among the groups gnomAD compares: Non-Finnish European, 0.000085%; no homozygotes.

Submission:

Labcorp Genetics (formerly Invitae), Labcorp
Classification: Uncertain significance for Tenorio syndrome. Last evaluated: 2025-06-04. Review status: criteria provided, single submitter. Criteria: Invitae Variant Classification Sherloc (09022015). Collection method: clinical testing. Allele origin: germline.
Comment: This sequence change replaces arginine, which is basic and polar, with histidine, which is basic and polar, at codon 24 of the RNF125 protein (p.Arg24His). The frequency data for this variant in the population databases is considered unreliable, as metrics indicate poor data quality at this position in the gnomAD database. This variant has not been reported in the literature in individuals affected with RNF125-related conditions. An algorithm developed to predict the effect of missense changes on protein structure and function (PolyPhen-2) suggests that this variant is likely to be tolerated. In summary, the available evidence is currently insufficient to determine the role of this variant in disease. Therefore, it has been classified as a Variant of Uncertain Significance.

NM_017831.4(RNF125):c.71G>A (p.Arg24His)

Genes: RNF125 (ring finger protein 125; plus strand), LOC121852963 (Sharpr-MPRA regulatory region 13938; plus strand). Cytogenetic location: 18q12.1.
Variant type: single nucleotide variant.
Coding change: c.71G>A on transcript NM_017831.4 (MANE Select); coding-DNA position 71, G replaced by A.
Protein change: p.Arg24His; replaces arginine 24 with histidine.
Molecular consequence: missense variant.
Genome position (GRCh38, 1-based): chr18:32,018,934, G>A. VCF-style: chr18-32018934-G-A. GRCh37 (hg19) VCF-style: chr18-29598897-G-A.
Other names: c.71G>A, p.Arg24His (NM_001436860.1, NM_001436861.1); short protein forms R24H.
Identifiers: ClinVar variation 4767493 (VCV004767493.1).